The following is an entry in ClinVar:

ClinVar aggregate classification (germline): Uncertain significance. Review status: criteria provided, multiple submitters, no conflicts (2 of 4 stars). 2 submissions from 2 submitters: Uncertain significance (2). Last evaluated 2025-08-05.

Conditions:
Inborn genetic diseases. Identifiers: MedGen C0950123, MeSH D030342.

Allele frequency attached by ClinVar (database versions not stated): gnomAD exomes below 0.00001; ExAC 0.00001; TOPMed 0.00001; gnomAD 0.00002; 1000 Genomes Project 30x 0.00016; 1000 Genomes Project 0.00020.
gnomAD v4.1: 5 of 1,613,772 alleles (0.00031%); highest among the groups gnomAD compares: Admixed American, 0.0067%; no homozygotes.

Submissions (2):

Ambry Genetics
Classification: Uncertain significance for Inborn genetic diseases. Last evaluated: 2025-08-05. Review status: criteria provided, single submitter. Criteria: Ambry Variant Classification Scheme 2023. Collection method: clinical testing. Allele origin: germline.

Labcorp Genetics (formerly Invitae), Labcorp
Classification: Uncertain significance. Last evaluated: 2022-08-08. Review status: criteria provided, single submitter. Criteria: Invitae Variant Classification Sherloc (09022015). Collection method: clinical testing. Allele origin: germline.
Comment: This sequence change replaces aspartic acid, which is acidic and polar, with histidine, which is basic and polar, at codon 1040 of the SZT2 protein (p.Asp1040His). This variant is present in population databases (rs566582893, gnomAD no frequency). This variant has not been reported in the literature in individuals affected with SZT2-related conditions. Algorithms developed to predict the effect of missense changes on protein structure and function are either unavailable or do not agree on the potential impact of this missense change (SIFT: "Deleterious"; PolyPhen-2: "Probably Damaging"; Align-GVGD: "Class C0"). In summary, the available evidence is currently insufficient to determine the role of this variant in disease. Therefore, it has been classified as a Variant of Uncertain Significance.

NM_001365999.1(SZT2):c.3289G>C (p.Asp1097His)

Gene: SZT2 (SZT2 subunit of KICSTOR complex; plus strand). Cytogenetic location: 1p34.2.
Variant type: single nucleotide variant.
Coding change: c.3289G>C on transcript NM_001365999.1 (MANE Select); coding-DNA position 3289, G replaced by C.
Protein change: p.Asp1097His; replaces aspartic acid 1097 with histidine.
Molecular consequence: missense variant.
Genome position (GRCh38, 1-based): chr1:43,426,789, G>C. VCF-style: chr1-43426789-G-C. GRCh37 (hg19) VCF-style: chr1-43892460-G-C.
Other names: c.3118G>C (NM_015284.3); c.3118G>C, p.Asp1040His (NM_015284.4); short protein forms D1097H, D1040H.
Identifiers: ClinVar variation 2070565 (VCV002070565.2), dbSNP rs566582893, ClinGen allele CA808934.
Genomic context (GRCh38, chr1:43,426,789, plus strand): 5'-CTGCTGGGGGTTCATGGGATCCCGAAGGAGCAAGCAGTCGGCAGCACCCAGGCCACAGGA[G>C]ACTCCGCTTTTACTTCCCTGGTCAGCACCGATTCTTCTCCCTGAGCCCTTGTCACACTGA-3'
Protein context (NP_001352928.1, residues 1087-1107): QAVGSTQATG[Asp1097His]SAFTSLSVGL